The following is an entry in ClinVar:

ClinVar aggregate classification (germline): Uncertain significance (1 of 4 stars; one submission).

Submission:

Labcorp Genetics (formerly Invitae), Labcorp
Classification: Uncertain significance. Last evaluated: 2023-03-07. Review status: criteria provided, single submitter. Criteria: Invitae Variant Classification Sherloc (09022015). Collection method: clinical testing. Allele origin: germline.
Comment: This sequence change replaces asparagine, which is neutral and polar, with histidine, which is basic and polar, at codon 142 of the ADAMTS13 protein (p.Asn142His). This variant is not present in population databases (gnomAD no frequency). This variant has not been reported in the literature in individuals affected with ADAMTS13-related conditions. Advanced modeling of protein sequence and biophysical properties (such as structural, functional, and spatial information, amino acid conservation, physicochemical variation, residue mobility, and thermodynamic stability) performed at Invitae indicates that this missense variant is expected to disrupt ADAMTS13 protein function. In summary, the available evidence is currently insufficient to determine the role of this variant in disease. Therefore, it has been classified as a Variant of Uncertain Significance.

NM_139027.6(ADAMTS13):c.424A>C (p.Asn142His)

Gene: ADAMTS13 (ADAM metallopeptidase with thrombospondin type 1 motif 13; plus strand). Cytogenetic location: 9q34.2.
Variant type: single nucleotide variant.
Coding change: c.424A>C on transcript NM_139027.6 (MANE Select); coding-DNA position 424, A replaced by C.
Protein change: p.Asn142His; replaces asparagine 142 with histidine.
Molecular consequence: missense variant. On other transcripts: non-coding transcript variant (1).
Genome position (GRCh38, 1-based): chr9:133,425,947, A>C. VCF-style: chr9-133425947-A-C. GRCh37 (hg19) VCF-style: chr9-136291067-A-C.
Other names: c.424A>C, p.Asn142His (NM_139025.5, NM_139026.6); short protein forms N142H.
Identifiers: ClinVar variation 2839031 (VCV002839031.3), dbSNP rs2491075140, ClinGen allele CA375382480.
Genomic context (GRCh38, chr9:133,425,947, plus strand): 5'-ACCGTGCCTGGTTGGGGTGTCCTAAATGCAGGCTTTGCTGTGGGTCCGCAGGGTGCTCCA[A>C]ATATCACAGCCAACCTCACCTCGTCCCTGCTGAGCGTCTGTGGGTGGAGCCAGACCATCA-3'
Protein context (NP_620596.2, residues 132-152): VILTEPEGAP[Asn142His]ITANLTSSLL